The following is an entry in ClinVar:

NM_007186.6(CEP250):c.7126C>A (p.Arg2376Ser)

Gene: CEP250 (centrosomal protein 250; plus strand). Cytogenetic location: 20q11.22.
Variant type: single nucleotide variant.
Coding change: c.7126C>A on transcript NM_007186.6 (MANE Select); coding-DNA position 7126, C replaced by A.
Protein change: p.Arg2376Ser; replaces arginine 2376 with serine.
Molecular consequence: missense variant.
Genome position (GRCh38, 1-based): chr20:35,511,423, C>A. VCF-style: chr20-35511423-C-A. GRCh37 (hg19) VCF-style: chr20-34099252-C-A.
Other names: c.5230C>A, p.Arg1744Ser (NM_001318219.1); short protein forms R2376S, R1744S.
Identifiers: ClinVar variation 1515815 (VCV001515815.6), dbSNP rs563013303, ClinGen allele CA408761887.

ClinVar aggregate classification (germline): Uncertain significance (1 of 4 stars; one submission).

Submission:

Labcorp Genetics (formerly Invitae), Labcorp
Classification: Uncertain significance. Last evaluated: 2022-03-19. Review status: criteria provided, single submitter. Criteria: Invitae Variant Classification Sherloc (09022015). Collection method: clinical testing. Allele origin: germline.
Comment: This sequence change replaces arginine with serine at codon 2376 of the CEP250 protein (p.Arg2376Ser). The arginine residue is highly conserved and there is a moderate physicochemical difference between arginine and serine. This variant is not present in population databases (gnomAD no frequency). This variant has not been reported in the literature in individuals affected with CEP250-related conditions. Algorithms developed to predict the effect of missense changes on protein structure and function are either unavailable or do not agree on the potential impact of this missense change (SIFT: "Not Available"; PolyPhen-2: "Probably Damaging"; Align-GVGD: "Not Available"). In summary, the available evidence is currently insufficient to determine the role of this variant in disease. Therefore, it has been classified as a Variant of Uncertain Significance.